The following is an entry in ClinVar:

NM_004082.5(DCTN1):c.1102G>A (p.Ala368Thr)

Gene: DCTN1 (dynactin subunit 1; minus strand). Cytogenetic location: 2p13.1.
Variant type: single nucleotide variant.
Coding change: c.1102G>A on transcript NM_004082.5 (MANE Select); coding-DNA position 1102, G replaced by A.
Protein change: p.Ala368Thr; replaces alanine 368 with threonine.
Molecular consequence: missense variant. On other transcripts: non-coding transcript variant (1).
Genome position (GRCh38, 1-based): chr2:74,370,491, C>T on the plus strand (G>A on the coding strand, the complement: DCTN1 is on the minus strand). VCF-style: chr2-74370491-C-T. GRCh37 (hg19) VCF-style: chr2-74597618-C-T.
Other names: c.1042G>A, p.Ala348Thr (NM_001135040.3); c.700G>A, p.Ala234Thr (NM_001135041.3, NM_023019.4); c.991G>A, p.Ala331Thr (NM_001190836.2); c.1081G>A, p.Ala361Thr (NM_001190837.2); c.1051G>A, p.Ala351Thr (NM_001378991.1); c.1033G>A, p.Ala345Thr (NM_001378992.1); short protein forms A368T, A234T, A331T, A348T, A361T, A345T, A351T.
Identifiers: ClinVar variation 536152 (VCV000536152.8), dbSNP rs1034996844, ClinGen allele CA50476968.

ClinVar aggregate classification (germline): Uncertain significance. Review status: criteria provided, multiple submitters, no conflicts (2 of 4 stars). 2 submissions from 2 submitters: Uncertain significance (2). Last evaluated 2025-11-03.

Conditions:
Inborn genetic diseases. Identifiers: MedGen C0950123, MeSH D030342.
Amyotrophic lateral sclerosis type 1 (ALS1). Also called: AMYOTROPHIC LATERAL SCLEROSIS 1, FAMILIAL. Identifiers: Orphanet 803, MedGen C1862939, MONDO:0007103, OMIM 105400.
Neuronopathy, distal hereditary motor, type 7B. Also called: HMN VIIB; LOWER MOTOR NEURON DISEASE, DYNACTIN TYPE; Distal Hereditary Motor Neuronopathy Type 7B (dHMN7B); NEURONOPATHY, DISTAL HEREDITARY MOTOR, AUTOSOMAL DOMINANT 14; NEURONOPATHY, DISTAL HEREDITARY MOTOR, HARDING TYPE VIIB; NEUROPATHY, DISTAL HEREDITARY MOTOR, HARDING TYPE VIIB. Identifiers: Orphanet 139589, MedGen C1843315, MONDO:0011879, OMIM 607641.
Perry syndrome. Also called: PARKINSONISM WITH ALVEOLAR HYPOVENTILATION AND MENTAL DEPRESSION. Identifiers: Orphanet 178509, MedGen C1868594, MONDO:0008201, OMIM 168605.

Allele frequency attached by ClinVar (database versions not stated): gnomAD exomes below 0.00001; TOPMed 0.00002.
gnomAD v4.1: 2 of 1,614,178 alleles (0.00012%); highest among the groups gnomAD compares: Admixed American, 0.0017%; no homozygotes.

Submissions (2):

Labcorp Genetics (formerly Invitae), Labcorp
Classification: Uncertain significance for Amyotrophic lateral sclerosis type 1; Neuronopathy, distal hereditary motor, type 7B; Perry syndrome. Last evaluated: 2025-11-03. Review status: criteria provided, single submitter. Criteria: Invitae Variant Classification Sherloc (09022015). Collection method: clinical testing. Allele origin: germline.
Comment: This sequence change replaces alanine, which is neutral and non-polar, with threonine, which is neutral and polar, at codon 368 of the DCTN1 protein (p.Ala368Thr). This variant is not present in population databases (gnomAD no frequency). This variant has not been reported in the literature in individuals affected with DCTN1-related conditions. ClinVar contains an entry for this variant (Variation ID: 536152). Invitae Evidence Modeling of protein sequence and biophysical properties (such as structural, functional, and spatial information, amino acid conservation, physicochemical variation, residue mobility, and thermodynamic stability) indicates that this missense variant is not expected to disrupt DCTN1 protein function with a negative predictive value of 95%. In summary, the available evidence is currently insufficient to determine the role of this variant in disease. Therefore, it has been classified as a Variant of Uncertain Significance.

Ambry Genetics
Classification: Uncertain significance for Inborn genetic diseases. Last evaluated: 2024-07-10. Review status: criteria provided, single submitter. Criteria: Ambry Variant Classification Scheme 2023. Collection method: clinical testing. Allele origin: germline.